The following is an entry in ClinVar:

ClinVar aggregate classification (germline): Likely benign (1 of 4 stars; one submission).

Conditions:
Familial hypercholesterolemia. Also called: Familial hypercholesterolaemia. Identifiers: MedGen C0020445, MONDO:0005439.

Submission:

GENinCode PLC
Classification: Likely benign for Familial hypercholesterolemia. Last evaluated: 2023-04-24. Review status: criteria provided, single submitter. Criteria: ACMG Guidelines, 2015. Collection method: clinical testing. Allele origin: germline.
Comment: This is a synonymous (silent) variant that is not predicted by SpliceAI to impact splicing. In addition, it occurs at a nucleotide that is not conserved. Therefore this variant has been classified as Likely Benign (BP4, BP7).

NM_000384.3(APOB):c.4611T>C (p.Tyr1537=)

Gene: APOB (apolipoprotein B; minus strand). Cytogenetic location: 2p24.1.
Variant type: single nucleotide variant.
Coding change: c.4611T>C on transcript NM_000384.3 (MANE Select); coding-DNA position 4611, T replaced by C.
Protein change: p.Tyr1537=; no amino-acid change (tyrosine 1537 retained).
Molecular consequence: synonymous variant.
Genome position (GRCh38, 1-based): chr2:21,012,257, A>G on the plus strand (T>C on the coding strand, the complement: APOB is on the minus strand). VCF-style: chr2-21012257-A-G. GRCh37 (hg19) VCF-style: chr2-21235129-A-G.
Identifiers: ClinVar variation 3393015 (VCV003393015.1).